The following is an entry in ClinVar:

NM_000535.7(PMS2):c.1961C>G (p.Pro654Arg)

Gene: PMS2 (PMS1 homolog 2, mismatch repair system component; minus strand). Cytogenetic location: 7p22.1.
Variant type: single nucleotide variant.
Coding change: c.1961C>G on transcript NM_000535.7 (MANE Select); coding-DNA position 1961, C replaced by G.
Protein change: p.Pro654Arg; replaces proline 654 with arginine.
Molecular consequence: missense variant. On other transcripts: non-coding transcript variant (1), intron variant (1).
Genome position (GRCh38, 1-based): chr7:5,986,804, G>C on the plus strand (C>G on the coding strand, the complement: PMS2 is on the minus strand). VCF-style: chr7-5986804-G-C. GRCh37 (hg19) VCF-style: chr7-6026435-G-C.
Other names: c.1652C>G, p.Pro551Arg (NM_001406875.1, NM_001406877.1, NM_001406878.1 and 5 more transcripts); c.1643C>G, p.Pro548Arg (NM_001406876.1, NM_001406903.1, NM_001406883.1 and 2 more transcripts); c.1556C>G, p.Pro519Arg (NM_001406894.1, NM_001406895.1, NM_001406898.1 and 16 more transcripts); c.1496C>G, p.Pro499Arg (NM_001406900.1); c.1487C>G, p.Pro496Arg (NM_001406901.1, NM_001406902.1); c.1637C>G, p.Pro546Arg (NM_001406884.1); c.1805C>G, p.Pro602Arg (NM_001322006.2, NM_001406870.1); c.1400C>G, p.Pro467Arg (NM_001322010.2, NM_001406906.1, NM_001406907.1); and 13 more; short protein forms P467R, P499R, P397R, P463R, P483R, P551R, P588R, P602R.
Identifiers: ClinVar variation 3308089 (VCV003308089.2).

ClinVar aggregate classification (germline): Uncertain significance. Review status: criteria provided, multiple submitters, no conflicts (2 of 4 stars). 2 submissions from 2 submitters: Uncertain significance (2). Last evaluated 2025-12-09.

Conditions:
Hereditary cancer-predisposing syndrome. Also called: Tumor predisposition; Hereditary Cancer Syndrome; Hereditary neoplastic syndrome; Neoplastic Syndromes, Hereditary. Identifiers: Orphanet 140162, MedGen C0027672, MeSH D009386, MONDO:0015356.
Hereditary nonpolyposis colorectal neoplasms. Identifiers: MedGen C0009405, MeSH D003123.

gnomAD v4.1: 1 of 1,612,140 alleles (0.000062%); highest among the groups gnomAD compares: Non-Finnish European, 0.000085%; no homozygotes.

Submissions (2):

Labcorp Genetics (formerly Invitae), Labcorp
Classification: Uncertain significance for Hereditary nonpolyposis colorectal neoplasms. Last evaluated: 2025-12-09. Review status: criteria provided, single submitter. Criteria: Invitae Variant Classification Sherloc (09022015). Collection method: clinical testing. Allele origin: germline.
Comment: This sequence change replaces proline, which is neutral and non-polar, with arginine, which is basic and polar, at codon 654 of the PMS2 protein (p.Pro654Arg). This variant is present in population databases (rs779587825, gnomAD 0.0009%). This variant has not been reported in the literature in individuals affected with PMS2-related conditions. ClinVar contains an entry for this variant (Variation ID: 3308089). Invitae Evidence Modeling incorporating data from in vitro experimental studies (internal data) indicates that this missense variant is not expected to disrupt PMS2 function with a negative predictive value of 95%. In summary, the available evidence is currently insufficient to determine the role of this variant in disease. Therefore, it has been classified as a Variant of Uncertain Significance.

Ambry Genetics
Classification: Uncertain significance for Hereditary cancer-predisposing syndrome. Last evaluated: 2024-04-17. Review status: criteria provided, single submitter. Criteria: Ambry Variant Classification Scheme 2023. Collection method: clinical testing. Allele origin: germline.
Comment: The p.P654R variant (also known as c.1961C>G), located in coding exon 11 of the PMS2 gene, results from a C to G substitution at nucleotide position 1961. The proline at codon 654 is replaced by arginine, an amino acid with dissimilar properties. This amino acid position is highly conserved in available vertebrate species. In addition, this alteration is predicted to be deleterious by in silico analysis. Based on the available evidence, the clinical significance of this variant remains unclear.